The following is an entry in ClinVar:

NM_001330700.2(TOP2B):c.4318A>G (p.Lys1440Glu)

Gene: TOP2B (DNA topoisomerase II beta; minus strand). Cytogenetic location: 3p24.2.
Variant type: single nucleotide variant.
Coding change: c.4318A>G on transcript NM_001330700.2 (MANE Select); coding-DNA position 4318, A replaced by G.
Protein change: p.Lys1440Glu; replaces lysine 1440 with glutamic acid.
Molecular consequence: missense variant.
Genome position (GRCh38, 1-based): chr3:25,606,103, T>C on the plus strand (A>G on the coding strand, the complement: TOP2B is on the minus strand). VCF-style: chr3-25606103-T-C. GRCh37 (hg19) VCF-style: chr3-25647594-T-C.
Other names: c.4303A>G, p.Lys1435Glu (NM_001068.3); short protein forms K1435E, K1440E.
Identifiers: ClinVar variation 3621290 (VCV003621290.2).

ClinVar aggregate classification (germline): Uncertain significance (1 of 4 stars; one submission).

gnomAD v4.1: 2 of 1,502,136 alleles (0.00013%); highest among the groups gnomAD compares: Admixed American, 0.0041%; no homozygotes.

Submission:

Labcorp Genetics (formerly Invitae), Labcorp
Classification: Uncertain significance. Last evaluated: 2025-11-11. Review status: criteria provided, single submitter. Criteria: Invitae Variant Classification Sherloc (09022015). Collection method: clinical testing. Allele origin: germline.
Comment: This sequence change replaces lysine, which is basic and polar, with glutamic acid, which is acidic and polar, at codon 1435 of the TOP2B protein (p.Lys1435Glu). The frequency data for this variant in the population databases is considered unreliable, as metrics indicate poor data quality at this position in the gnomAD database. This variant has not been reported in the literature in individuals affected with TOP2B-related conditions. ClinVar contains an entry for this variant (Variation ID: 3621290). An algorithm developed to predict the effect of missense changes on protein structure and function (PolyPhen-2) suggests that this variant is likely to be tolerated. In summary, the available evidence is currently insufficient to determine the role of this variant in disease. Therefore, it has been classified as a Variant of Uncertain Significance.